The following is an entry in ClinVar:

ClinVar aggregate classification (germline): Uncertain significance (1 of 4 stars; one submission).

Conditions:
Cognitive impairment with or without cerebellar ataxia (CIAT). Identifiers: MedGen C3280415, MONDO:0013680, OMIM 614306.

Allele frequency attached by ClinVar (database versions not stated): gnomAD exomes below 0.00001; TOPMed below 0.00001; gnomAD 0.00001.
gnomAD v4.1: 2 of 1,606,860 alleles (0.00012%); highest among the groups gnomAD compares: East Asian, 0.0022%; no homozygotes.

Submission:

Laboratorio de Genetica e Diagnostico Molecular, Hospital Israelita Albert Einstein
Classification: Uncertain significance for Cognitive impairment with or without cerebellar ataxia. Last evaluated: 2021-09-25. Review status: criteria provided, single submitter. Criteria: ACMG Guidelines, 2015. Collection method: clinical testing. Allele origin: germline. Affected: yes.
Comment: ACMG classification criteria: PM2 moderate, PP2 supporting, BP4 supporting

NM_001330260.2(SCN8A):c.3449A>C (p.Gln1150Pro)

Gene: SCN8A (sodium voltage-gated channel alpha subunit 8; plus strand). Cytogenetic location: 12q13.13.
Variant type: single nucleotide variant.
Coding change: c.3449A>C on transcript NM_001330260.2 (MANE Select); coding-DNA position 3449, A replaced by C.
Protein change: p.Gln1150Pro; replaces glutamine 1150 with proline.
Molecular consequence: missense variant.
Genome position (GRCh38, 1-based): chr12:51,769,944, A>C. VCF-style: chr12-51769944-A-C. GRCh37 (hg19) VCF-style: chr12-52163728-A-C.
Other names: c.3449A>C, p.Gln1150Pro (NM_001177984.3, NM_001369788.1, NM_014191.4); short protein forms Q1150P.
Identifiers: ClinVar variation 1683658 (VCV001683658.2), dbSNP rs1050488287, ClinGen allele CA236319067.